The following is an entry in ClinVar:

ClinVar aggregate classification (germline): Uncertain significance (1 of 4 stars; one submission).

Conditions:
Biotinidase deficiency. Also called: BTD deficiency; Late-onset biotin-responsive multiple carboxylase deficiency; Biotin deficiency. Identifiers: Orphanet 79241, MedGen C0220754, MONDO:0009665, OMIM 253260.

Allele frequency attached by ClinVar (database versions not stated): ExAC 0.00001; gnomAD exomes 0.00001.
gnomAD v4.1: 9 of 1,614,174 alleles (0.00056%); highest among the groups gnomAD compares: Non-Finnish European, 0.00076%; no homozygotes.

Submission:

Labcorp Genetics (formerly Invitae), Labcorp
Classification: Uncertain significance for Biotinidase deficiency. Last evaluated: 2021-12-18. Review status: criteria provided, single submitter. Criteria: Invitae Variant Classification Sherloc (09022015). Collection method: clinical testing. Allele origin: germline.
Comment: This sequence change replaces serine, which is neutral and polar, with proline, which is neutral and non-polar, at codon 134 of the BTD protein (p.Ser134Pro). This variant is present in population databases (rs759266571, gnomAD 0.0009%). This variant has not been reported in the literature in individuals affected with BTD-related conditions. Algorithms developed to predict the effect of missense changes on protein structure and function output the following: SIFT: "Tolerated"; PolyPhen-2: "Benign"; Align-GVGD: "Class C0". The proline amino acid residue is found in multiple mammalian species, which suggests that this missense change does not adversely affect protein function. In summary, the available evidence is currently insufficient to determine the role of this variant in disease. Therefore, it has been classified as a Variant of Uncertain Significance.

NM_001370658.1(BTD):c.340T>C (p.Ser114Pro)

Gene: BTD (biotinidase; plus strand). Cytogenetic location: 3p25.1.
Variant type: single nucleotide variant.
Coding change: c.340T>C on transcript NM_001370658.1 (MANE Select); coding-DNA position 340, T replaced by C.
Protein change: p.Ser114Pro; replaces serine 114 with proline.
Molecular consequence: missense variant.
Genome position (GRCh38, 1-based): chr3:15,641,998, T>C. VCF-style: chr3-15641998-T-C. GRCh37 (hg19) VCF-style: chr3-15683505-T-C.
Other names: c.400T>C, p.Ser134Pro (NM_000060.4); c.340T>C, p.Ser114Pro (NM_001281723.4, NM_001281724.3, NM_001281725.3 and 36 more transcripts); c.403T>C, p.Ser135Pro (NM_001407381.1); short protein forms S114P, S134P, S135P.
Identifiers: ClinVar variation 1915687 (VCV001915687.2), dbSNP rs759266571, ClinGen allele CA2277304.